The following is an entry in ClinVar:

NM_000350.3(ABCA4):c.2690C>T (p.Thr897Ile)

Gene: ABCA4 (ATP binding cassette subfamily A member 4; minus strand). Cytogenetic location: 1p22.1.
Variant type: single nucleotide variant.
Coding change: c.2690C>T on transcript NM_000350.3 (MANE Select); coding-DNA position 2690, C replaced by T.
Protein change: p.Thr897Ile; replaces threonine 897 with isoleucine.
Molecular consequence: missense variant.
Genome position (GRCh38, 1-based): chr1:94,048,921, G>A on the plus strand (C>T on the coding strand, the complement: ABCA4 is on the minus strand). VCF-style: chr1-94048921-G-A. GRCh37 (hg19) VCF-style: chr1-94514477-G-A.
Other names: c.2468C>T, p.Thr823Ile (NM_001425324.1); short protein forms T897I, T823I.
Identifiers: ClinVar variation 99153 (VCV000099153.70), dbSNP rs61749440, ClinGen allele CA227022.

ClinVar aggregate classification (germline): Conflicting classifications of pathogenicity. Review status: criteria provided, conflicting classifications (1 of 4 stars). 13 submissions from 13 submitters: Uncertain significance (4); Likely benign (5). 4 of the submissions do not count toward it. Last evaluated 2026-07-01.

Conditions:
ABCA4-related disorder. Also called: ABCA4-related disorders; ABCA4-related condition. Identifiers: MedGen CN239167.
Retinal dystrophy. Also called: Inherited retinal dystrophy. Identifiers: Orphanet 71862, MedGen C0854723, MeSH D058499, MONDO:0019118, HP:0000556.
Age related macular degeneration 2. Also called: MACULAR DEGENERATION, SENILE; MACULOPATHY, AGE-RELATED, 2; MACULOPATHY, AGE-RELATED. Identifiers: MedGen C3495438, MONDO:0007932, OMIM 153800.

Allele frequency attached by ClinVar (database versions not stated): ESP Exome Variant Server 0.00108; ExAC 0.00114; gnomAD exomes 0.00122 and 0.00144; TOPMed 0.00123; gnomAD 0.00130 and 0.00133; 1000 Genomes Project 30x 0.00156; 1000 Genomes Project 0.00160.
gnomAD v4.1: 2,326 of 1,614,066 alleles (0.14%); highest among the groups gnomAD compares: Middle Eastern, 0.25%; 7 homozygotes.

Submissions (13):

CeGaT Center for Human Genetics Tuebingen
Classification: Likely benign. Last evaluated: 2026-07-01. Review status: criteria provided, single submitter. Criteria: CeGaT Center For Human Genetics Tuebingen Variant Classification Criteria Version 2. Collection method: clinical testing. Allele origin: germline. Affected: yes. Observed: 4 variant alleles.
Comment: ABCA4: BS2

PreventionGenetics, part of Exact Sciences
Classification: Uncertain significance for ABCA4-related condition. Last evaluated: 2026-06-03. Review status: criteria provided, single submitter. Criteria: ACMG Guidelines, 2015. Collection method: clinical testing. Allele origin: germline.
Comment: The ABCA4 c.2690C>T variant is predicted to result in the amino acid substitution p.Thr897Ile. This variant has been reported in two patients, one affected by Stargardt disease (STGD) and one by pigmentary abnormalities and drusen; these patients were from the same pedigree (Simonelli et al. 2000. PubMed ID: 10711710, Table 1. Pedigree # 628). Moreover, this variant has been reported with a loss-of-function ABCA4 variant in an individual with STGD (Table S1, Fujinami et al. 2018. PubMed ID: 29925512). This variant has also been reported in patients with STGD and cone dystrophy (Webster et al. 2001. PubMed ID: 11328725; Thiadens et al. 2012. PubMed ID: 22264887; Sodi et al. 2021. PubMed ID: 34240658). However, in all five of these patients a second variant was not found. This variant is documented in 0.41% of alleles in the Ashkenazi Jewish population (gnomAD), which is higher than expected for a pathogenic variant. Although we suspect this variant may be benign, at this time, the clinical significance of ABCA4 c.2690C>T (p.Thr897Ile) is uncertain due to the absence of conclusive functional and genetic evidence.

Labcorp Genetics (formerly Invitae), Labcorp
Classification: Likely benign. Last evaluated: 2026-01-30. Review status: criteria provided, single submitter. Criteria: Invitae Variant Classification Sherloc (09022015). Collection method: clinical testing. Allele origin: germline.

Blueprint Genetics
Classification: Likely benign. Last evaluated: 2024-11-21. Review status: criteria provided, single submitter. Criteria: ACMG Guidelines, 2015. Collection method: clinical testing. Allele origin: germline.

Institute of Human Genetics, Univ. Regensburg, Univ. Regensburg
Classification: Likely benign for Retinal dystrophy. Last evaluated: 2022-01-01. Review status: criteria provided, single submitter. Criteria: ACMG Guidelines, 2015. Collection method: clinical testing. Allele origin: germline. Affected: yes.

GeneDx
Classification: Uncertain significance. Last evaluated: 2019-04-05. Review status: criteria provided, single submitter. Criteria: GeneDx Variant Classification Process June 2021. Collection method: clinical testing. Allele origin: germline. Affected: yes.
Comment: Reported previously in association with Stargardt disease and cone-rod dystrophy as heterozygous with other ABCA4 variants (Salles et al., 2018) as well as heterozygous without a second variant (Simonelli et al., 2000; Tsipi et al., 2016); In silico analysis, which includes protein predictors and evolutionary conservation, supports a deleterious effect; This variant is associated with the following publications: (PMID: 10711710, 11328725, 22995991, 27014590, 22264887, 21911583, 26103963, 30093795, 28118664, 29178665, 11702214, 29925512, 18161617)

Centre for Mendelian Genomics, University Medical Centre Ljubljana
Classification: Uncertain significance for Age related macular degeneration 2. Last evaluated: 2018-10-11. Review status: criteria provided, single submitter. Criteria: ACMG Guidelines, 2015. Collection method: clinical testing. Allele origin: unknown. Affected: yes.
Comment: This variant was classified as: Uncertain significance. The available evidence favors the benign nature of this variant, however the evidence is insufficent to prove its benign nature. The following ACMG criteria were applied in classifying this variant: BP6.

Illumina Laboratory Services, Illumina
Classification: Likely benign for ABCA4-Related Disorders. Last evaluated: 2017-04-27. Review status: criteria provided, single submitter. Criteria: ICSL Variant Classification Criteria 13 December 2019. Collection method: clinical testing. Allele origin: germline.
Comment: This variant was observed as part of a predisposition screen in an ostensibly healthy population. A literature search was performed for the gene, cDNA change, and amino acid change (where applicable). No publications were found based on this search. Allele frequency data from public databases allowed determination this variant is unlikely to cause disease. Therefore, this variant is classified as likely benign.

Eurofins Ntd Llc (ga)
Classification: Uncertain significance. Last evaluated: 2016-09-14. Review status: criteria provided, single submitter. Criteria: EGL Classification Definitions 2015. Collection method: clinical testing. Allele origin: germline. Observed: 2 variant alleles, 2 heterozygotes.

Clinical Genetics DNA and cytogenetics Diagnostics Lab, Erasmus MC, Erasmus Medical Center
Classification: Uncertain significance. Review status: no assertion criteria provided. Collection method: clinical testing. Allele origin: germline. Affected: yes. Study: VKGL Data-share Consensus. Not counted in ClinVar's aggregate classification.

Clinical Genetics, Academic Medical Center
Classification: Uncertain significance. Review status: no assertion criteria provided. Collection method: clinical testing. Allele origin: germline. Affected: yes. Study: VKGL Data-share Consensus. Not counted in ClinVar's aggregate classification.

Joint Genome Diagnostic Labs from Nijmegen and Maastricht, Radboudumc and MUMC+
Classification: Uncertain significance. Review status: no assertion criteria provided. Collection method: clinical testing. Allele origin: germline. Affected: yes. Study: VKGL Data-share Consensus. Not counted in ClinVar's aggregate classification.

Retina International
No classification provided. Review status: no classification provided. Collection method: not provided. Allele origin: unknown. Not counted in ClinVar's aggregate classification.

Literature cited by the submitters: PubMed 10711710 (cited by Institute of Human Genetics, Univ. Regensburg, Univ. Regensburg); PubMed 18161617 (cited by Institute of Human Genetics, Univ. Regensburg, Univ. Regensburg); PubMed 22264887 (cited by Institute of Human Genetics, Univ. Regensburg, Univ. Regensburg and Eurofins Ntd Llc (ga)); PubMed 22995991 (cited by Institute of Human Genetics, Univ. Regensburg, Univ. Regensburg); PubMed 29925512 (cited by Institute of Human Genetics, Univ. Regensburg, Univ. Regensburg); PubMed 32483926 (cited by Institute of Human Genetics, Univ. Regensburg, Univ. Regensburg); PubMed 32307445 (cited by Institute of Human Genetics, Univ. Regensburg, Univ. Regensburg); PubMed 32531858 (cited by Institute of Human Genetics, Univ. Regensburg, Univ. Regensburg); PubMed 34426522 (cited by Institute of Human Genetics, Univ. Regensburg, Univ. Regensburg); PubMed 34240658 (cited by Institute of Human Genetics, Univ. Regensburg, Univ. Regensburg); PubMed 36460718 (cited by Institute of Human Genetics, Univ. Regensburg, Univ. Regensburg); PubMed 28118664 (cited by Institute of Human Genetics, Univ. Regensburg, Univ. Regensburg); PubMed 11328725 (cited by Eurofins Ntd Llc (ga)); PubMed 11702214 (cited by Eurofins Ntd Llc (ga)); PubMed 21911583 (cited by Eurofins Ntd Llc (ga)); PubMed 26103963 (cited by Eurofins Ntd Llc (ga)); PubMed 27014590 (cited by Eurofins Ntd Llc (ga)).